The following is an entry in ClinVar:

ClinVar aggregate classification (germline): Uncertain significance. Review status: criteria provided, multiple submitters, no conflicts (2 of 4 stars). 2 submissions from 2 submitters: Uncertain significance (2). Last evaluated 2025-10-07.

Conditions:
Inborn genetic diseases. Identifiers: MedGen C0950123, MeSH D030342.

Submissions (2):

Ambry Genetics
Classification: Uncertain significance for Inborn genetic diseases. Last evaluated: 2025-10-07. Review status: criteria provided, single submitter. Criteria: Ambry Variant Classification Scheme 2023. Collection method: clinical testing. Allele origin: germline.

GeneDx
Classification: Uncertain significance. Last evaluated: 2025-01-06. Review status: criteria provided, single submitter. Criteria: GeneDx Variant Classification Process June 2021. Collection method: clinical testing. Allele origin: germline. Affected: yes.
Comment: In silico analysis indicates that this missense variant does not alter protein structure/function; Has not been previously published as pathogenic or benign to our knowledge

NM_012414.4(RAB3GAP2):c.1429G>A (p.Val477Met)

Gene: RAB3GAP2 (RAB3 GTPase activating non-catalytic protein subunit 2; minus strand). Cytogenetic location: 1q41.
Variant type: single nucleotide variant.
Coding change: c.1429G>A on transcript NM_012414.4 (MANE Select); coding-DNA position 1429, G replaced by A.
Protein change: p.Val477Met; replaces valine 477 with methionine.
Molecular consequence: missense variant.
Genome position (GRCh38, 1-based): chr1:220,191,126, C>T on the plus strand (G>A on the coding strand, the complement: RAB3GAP2 is on the minus strand). VCF-style: chr1-220191126-C-T. GRCh37 (hg19) VCF-style: chr1-220364468-C-T.
Other names: short protein forms V477M.
Identifiers: ClinVar variation 4056066 (VCV004056066.2).